The following is an entry in ClinVar:

NM_000059.4(BRCA2):c.1433C>A (p.Thr478Lys)

Gene: BRCA2 (BRCA2 DNA repair associated; plus strand). Cytogenetic location: 13q13.1.
Variant type: single nucleotide variant.
Coding change: c.1433C>A on transcript NM_000059.4 (MANE Select); coding-DNA position 1433, C replaced by A.
Protein change: p.Thr478Lys; replaces threonine 478 with lysine.
Molecular consequence: missense variant.
Genome position (GRCh38, 1-based): chr13:32,332,911, C>A. VCF-style: chr13-32332911-C-A. GRCh37 (hg19) VCF-style: chr13-32907048-C-A.
Other names: 1661C>A; short protein forms T478K.
Identifiers: ClinVar variation 96764 (VCV000096764.23), dbSNP rs431825282, ClinGen allele CA012027.

ClinVar aggregate classification (germline): Conflicting classifications of pathogenicity. Review status: criteria provided, conflicting classifications (1 of 4 stars). 6 submissions from 6 submitters: Uncertain significance (4); Likely benign (1). 1 of the submissions does not count toward it. Last evaluated 2025-08-13.

Conditions:
Wilms tumor 1 (WT1). Also called: Wilms tumor, somatic. Identifiers: Orphanet 654, MedGen CN033288, MONDO:0008679, OMIM 194070.
Prostate cancer. Also called: Malignant tumor of prostate. Identifiers: Orphanet 1331, MedGen C0376358, MONDO:0008315, HP:0012125.
Familial cancer of breast. Also called: BREAST CANCER, FAMILIAL; Hereditary breast cancer; hereditary breast carcinoma. Identifiers: Orphanet 227535, MedGen C0346153, MONDO:0016419, OMIM 114480. Disease mechanism: loss of function.
Fanconi anemia complementation group D1. Also called: BRCA2-Related Fanconi Anemia. Identifiers: Orphanet 319462, MedGen C1838457, MONDO:0011584, OMIM 605724.
Medulloblastoma (MDB). Also called: Medulloblastoma, somatic; MEDULLOBLASTOMA PREDISPOSITION SYNDROME. Identifiers: Orphanet 616, MedGen C0025149, MeSH D008527, MONDO:0007959, OMIM 155255, HP:0002885.
Breast-ovarian cancer, familial, susceptibility to, 2 (BROVCA2). Also called: BRCA2 Hereditary Breast and Ovarian Cancer. Identifiers: Orphanet 145, MedGen C2675520, MONDO:0012933, OMIM 612555. Disease mechanism: loss of function.
Pancreatic cancer, susceptibility to, 2. Identifiers: Orphanet 1333, MedGen C3150546, MONDO:0013235, OMIM 613347.
Glioma susceptibility 3 (GLM3). Also called: Glioblastoma 3. Identifiers: Orphanet 182067, Orphanet 360, MedGen C2751641, MONDO:0013093, OMIM 613029.
Hereditary cancer-predisposing syndrome. Also called: Hereditary Cancer Syndrome; Tumor predisposition; Hereditary neoplastic syndrome; Neoplastic Syndromes, Hereditary. Identifiers: Orphanet 140162, MedGen C0027672, MeSH D009386, MONDO:0015356.
Hereditary breast ovarian cancer syndrome. Also called: Hereditary breast and/or ovarian cancer syndrome; Hereditary breast and ovarian cancer syndrome; Hereditary breast and ovarian cancer syndrome (HBOC); Hereditary breast and ovarian cancer; Breast and ovarian cancer; BRCA1- and BRCA2-Associated Hereditary Breast and Ovarian Cancer. Identifiers: Orphanet 145, MedGen C0677776, MeSH D061325, MONDO:0003582. Disease mechanism: loss of function.

Allele frequency attached by ClinVar (database versions not stated): gnomAD exomes below 0.00001.
gnomAD v4.1: 1 of 1,610,148 alleles (0.000062%); highest among the groups gnomAD compares: Admixed American, 0.0017%; no homozygotes.

Submissions (6):

Color Diagnostics, LLC DBA Color Health
Classification: Uncertain significance for Hereditary cancer-predisposing syndrome. Last evaluated: 2025-08-13. Review status: criteria provided, single submitter. Criteria: ACMG Guidelines, 2015. Collection method: clinical testing. Allele origin: germline.
Comment: This missense variant replaces threonine with lysine at codon 478 of the BRCA2 protein. Computational prediction suggests that this variant may not impact protein structure and function. To our knowledge, functional studies have not been reported for this variant. This variant has been detected in a breast cancer case-control meta-analysis in 3/60466 cases and 2/53461 unaffected individuals (PMID: 33471991Leiden Open Variation Database DB-ID BRCA2_007822). A multifactorial analysis has reached a combined likelihood ratio (LR) of 2.279 based on reported LR for co-occurrence with a pathogenic variant and family history (PMID: 31131967). This variant has not been identified in the general population by the Genome Aggregation Database (gnomAD). The available evidence is insufficient to determine the role of this variant in disease conclusively. Therefore, this variant is classified as a Variant of Uncertain Significance.

Ambry Genetics
Classification: Uncertain significance for Hereditary cancer-predisposing syndrome. Last evaluated: 2025-06-08. Review status: criteria provided, single submitter. Criteria: Ambry Variant Classification Scheme 2023. Collection method: clinical testing. Allele origin: germline.
Comment: The p.T478K variant (also known as c.1433C>A), located in coding exon 9 of the BRCA2 gene, results from a C to A substitution at nucleotide position 1433. The threonine at codon 478 is replaced by lysine, an amino acid with similar properties. This amino acid position is poorly conserved. In addition, this alteration is predicted to be tolerated by in silico analysis. Since supporting evidence is limited at this time, the clinical significance of this alteration remains unclear.

Labcorp Genetics (formerly Invitae), Labcorp
Classification: Uncertain significance for Hereditary breast ovarian cancer syndrome. Last evaluated: 2024-02-19. Review status: criteria provided, single submitter. Criteria: Invitae Variant Classification Sherloc (09022015). Collection method: clinical testing. Allele origin: germline.
Comment: This sequence change replaces threonine, which is neutral and polar, with lysine, which is basic and polar, at codon 478 of the BRCA2 protein (p.Thr478Lys). This variant is not present in population databases (gnomAD no frequency). This variant has not been reported in the literature in individuals affected with BRCA2-related conditions. ClinVar contains an entry for this variant (Variation ID: 96764). Advanced modeling of protein sequence and biophysical properties (such as structural, functional, and spatial information, amino acid conservation, physicochemical variation, residue mobility, and thermodynamic stability) performed at Invitae indicates that this missense variant is not expected to disrupt BRCA2 protein function with a negative predictive value of 95%. In summary, the available evidence is currently insufficient to determine the role of this variant in disease. Therefore, it has been classified as a Variant of Uncertain Significance.

University of Washington Department of Laboratory Medicine, University of Washington
Classification: Likely benign for Hereditary cancer-predisposing syndrome. Last evaluated: 2023-03-23. Review status: criteria provided, single submitter. Criteria: Dines et al. (Genet Med. 2020). Collection method: curation. Allele origin: germline.
Comment: Missense variant in a coldspot region where missense variants are very unlikely to be pathogenic (PMID:31911673).

BRCA2 exon 10 coldspot. Reclassification based on statistical prior probability.

Fulgent Genetics
Classification: Uncertain significance for Familial cancer of breast; Medulloblastoma; Familial prostate cancer; Wilms tumor 1; Fanconi anemia complementation group D1; Breast-ovarian cancer, familial, susceptibility to, 2; Glioma susceptibility 3; Pancreatic cancer, susceptibility to, 2. Last evaluated: 2018-10-31. Review status: criteria provided, single submitter. Criteria: ACMG Guidelines, 2015. Collection method: clinical testing. Allele origin: unknown.

Sharing Clinical Reports Project (SCRP)
Classification: Uncertain significance for Breast-ovarian cancer, familial 2. Last evaluated: 2012-05-01. Review status: no assertion criteria provided. Collection method: clinical testing. Allele origin: germline. Not counted in ClinVar's aggregate classification.

Literature cited by the submitters: PubMed 31131967 (cited by Color Diagnostics, LLC DBA Color Health); PubMed 33471991 (cited by Color Diagnostics, LLC DBA Color Health).